The following is an entry in ClinVar:

ClinVar aggregate classification (germline): Uncertain significance (1 of 4 stars; one submission).

Submission:

Labcorp Genetics (formerly Invitae), Labcorp
Classification: Uncertain significance. Last evaluated: 2025-08-25. Review status: criteria provided, single submitter. Criteria: Invitae Variant Classification Sherloc (09022015). Collection method: clinical testing. Allele origin: germline.
Comment: This sequence change replaces valine, which is neutral and non-polar, with leucine, which is neutral and non-polar, at codon 123 of the ALPK1 protein (p.Val123Leu). This variant is not present in population databases (gnomAD no frequency). This variant has not been reported in the literature in individuals affected with ALPK1-related conditions. Invitae Evidence Modeling of protein sequence and biophysical properties (such as structural, functional, and spatial information, amino acid conservation, physicochemical variation, residue mobility, and thermodynamic stability) indicates that this missense variant is not expected to disrupt ALPK1 protein function with a negative predictive value of 80%. In summary, the available evidence is currently insufficient to determine the role of this variant in disease. Therefore, it has been classified as a Variant of Uncertain Significance.

NM_025144.4(ALPK1):c.367G>C (p.Val123Leu)

Gene: ALPK1 (alpha kinase 1; plus strand). Cytogenetic location: 4q25.
Variant type: single nucleotide variant.
Coding change: c.367G>C on transcript NM_025144.4 (MANE Select); coding-DNA position 367, G replaced by C.
Protein change: p.Val123Leu; replaces valine 123 with leucine.
Molecular consequence: missense variant.
Genome position (GRCh38, 1-based): chr4:112,411,917, G>C. VCF-style: chr4-112411917-G-C. GRCh37 (hg19) VCF-style: chr4-113333073-G-C.
Other names: c.367G>C, p.Val123Leu (NM_001102406.2); c.133G>C, p.Val45Leu (NM_001253884.2); short protein forms V123L, V45L.
Identifiers: ClinVar variation 4805208 (VCV004805208.1).
Genomic context (GRCh38, chr4:112,411,917, plus strand): 5'-GACTGTGCGGCTGCGGCGGCTATTGTGTTCTTGGTGGACCGGTTCCTGTATGGGCTCGAC[G>C]TCTCTGGAAAACTTCTGCAGGTCGCCAAAGGTCTCCACAAGTTGCAGCCAGCCACGCCAA-3'
Protein context (NP_079420.3, residues 113-133): LVDRFLYGLD[Val123Leu]SGKLLQVAKG